The following is an entry in ClinVar:

ClinVar aggregate classification (germline): Uncertain significance. Review status: criteria provided, multiple submitters, no conflicts (2 of 4 stars). 2 submissions from 2 submitters: Uncertain significance (2). Last evaluated 2025-02-15.

Conditions:
Hereditary cancer-predisposing syndrome. Also called: Neoplastic Syndromes, Hereditary; Tumor predisposition; Hereditary Cancer Syndrome; Hereditary neoplastic syndrome. Identifiers: Orphanet 140162, MedGen C0027672, MeSH D009386, MONDO:0015356.

Allele frequency attached by ClinVar (database versions not stated): gnomAD exomes below 0.00001.
gnomAD v4.1: 2 of 1,613,706 alleles (0.00012%); highest among the groups gnomAD compares: Non-Finnish European, 0.00017%; no homozygotes.

Submissions (2):

Ambry Genetics
Classification: Uncertain significance for Hereditary cancer-predisposing syndrome. Last evaluated: 2025-02-15. Review status: criteria provided, single submitter. Criteria: Ambry Variant Classification Scheme 2023. Collection method: clinical testing. Allele origin: germline.
Comment: The p.I698M variant (also known as c.2094C>G), located in coding exon 13 of the RAD50 gene, results from a C to G substitution at nucleotide position 2094. The isoleucine at codon 698 is replaced by methionine, an amino acid with highly similar properties. This amino acid position is well conserved in available vertebrate species. In addition, this alteration is predicted to be tolerated by in silico analysis. Since supporting evidence is limited at this time, the clinical significance of this alteration remains unclear.

Labcorp Genetics (formerly Invitae), Labcorp
Classification: Uncertain significance for Hereditary cancer-predisposing syndrome. Last evaluated: 2022-02-10. Review status: criteria provided, single submitter. Criteria: Invitae Variant Classification Sherloc (09022015). Collection method: clinical testing. Allele origin: germline.
Comment: ClinVar contains an entry for this variant (Variation ID: 820702). In summary, the available evidence is currently insufficient to determine the role of this variant in disease. Therefore, it has been classified as a Variant of Uncertain Significance. Algorithms developed to predict the effect of missense changes on protein structure and function (SIFT, PolyPhen-2, Align-GVGD) all suggest that this variant is likely to be tolerated. This variant has not been reported in the literature in individuals affected with RAD50-related conditions. This variant is not present in population databases (gnomAD no frequency). This sequence change replaces isoleucine, which is neutral and non-polar, with methionine, which is neutral and non-polar, at codon 698 of the RAD50 protein (p.Ile698Met).

NM_005732.4(RAD50):c.2094C>G (p.Ile698Met)

Gene: RAD50 (RAD50 double strand break repair protein; plus strand). Cytogenetic location: 5q31.1.
Variant type: single nucleotide variant.
Coding change: c.2094C>G on transcript NM_005732.4 (MANE Select); coding-DNA position 2094, C replaced by G.
Protein change: p.Ile698Met; replaces isoleucine 698 with methionine.
Molecular consequence: missense variant.
Genome position (GRCh38, 1-based): chr5:132,595,697, C>G. VCF-style: chr5-132595697-C-G. GRCh37 (hg19) VCF-style: chr5-131931389-C-G.
Other names: short protein forms I698M.
Identifiers: ClinVar variation 820702 (VCV000820702.14), dbSNP rs1580997071, ClinGen allele CA360950000.